The following is an entry in ClinVar:

ClinVar aggregate classification (germline): Pathogenic (1 of 4 stars; one submission).

Conditions:
Nephronophthisis. Also called: Juvenile Nephronophthisis. Identifiers: Orphanet 655, MedGen C0687120, MONDO:0019005, HP:0000090.

Submission:

Labcorp Genetics (formerly Invitae), Labcorp
Classification: Pathogenic for Nephronophthisis. Last evaluated: 2025-02-06. Review status: criteria provided, single submitter. Criteria: Invitae Variant Classification Sherloc (09022015). Collection method: clinical testing. Allele origin: germline.
Comment: This sequence change creates a premature translational stop signal (p.Pro256Serfs*2) in the NPHP3 gene. It is expected to result in an absent or disrupted protein product. Loss-of-function variants in NPHP3 are known to be pathogenic (PMID: 18371931, 23559409). This variant is not present in population databases (gnomAD no frequency). This variant has not been reported in the literature in individuals affected with NPHP3-related conditions. Algorithms developed to predict the effect of sequence changes on RNA splicing suggest that this variant may disrupt the consensus splice site. For these reasons, this variant has been classified as Pathogenic.

Literature cited by the submitters: PubMed 18371931; PubMed 23559409.

NM_153240.5(NPHP3):c.765_766insT (p.Pro256fs)

Genes: NPHP3 (nephrocystin 3; minus strand), NPHP3-ACAD11 (NPHP3-ACAD11 readthrough (NMD candidate); minus strand). Cytogenetic location: 3q22.1.
Variant type: Insertion.
Coding change: c.765_766insT on transcript NM_153240.5 (MANE Select); coding-DNA positions 765 to 766, T inserted.
Protein change: p.Pro256fs; shifts the reading frame from proline 256.
Molecular consequence: frameshift variant. On other transcripts: non-coding transcript variant (1).
Genome position: GRCh38 VCF-style: chr3-132716814-G-GA. GRCh37 (hg19) VCF-style: chr3-132435658-G-GA.
Other names: short protein forms P256fs.
Identifiers: ClinVar variation 4747879 (VCV004747879.1).